The following is an entry in ClinVar:

NM_002103.5(GYS1):c.1835C>T (p.Ala612Val)

Gene: GYS1 (glycogen synthase 1; minus strand). Cytogenetic location: 19q13.33.
Variant type: single nucleotide variant.
Coding change: c.1835C>T on transcript NM_002103.5 (MANE Select); coding-DNA position 1835, C replaced by T.
Protein change: p.Ala612Val; replaces alanine 612 with valine.
Molecular consequence: missense variant. On other transcripts: non-coding transcript variant (1).
Genome position (GRCh38, 1-based): chr19:48,969,830, G>A on the plus strand (C>T on the coding strand, the complement: GYS1 is on the minus strand). VCF-style: chr19-48969830-G-A. GRCh37 (hg19) VCF-style: chr19-49473087-G-A.
Other names: c.1643C>T, p.Ala548Val (NM_001161587.2); short protein forms A548V, A612V.
Identifiers: ClinVar variation 1061438 (VCV001061438.9), dbSNP rs773394859, ClinGen allele CA406759972.

ClinVar aggregate classification (germline): Uncertain significance (1 of 4 stars; one submission).

Conditions:
Glycogen storage disease due to muscle and heart glycogen synthase deficiency. Also called: MUSCLE GLYCOGEN SYNTHASE DEFICIENCY; GSD 0b. Identifiers: Orphanet 137625, MedGen C1969054, MONDO:0012693, OMIM 611556.

gnomAD v4.1: 1 of 1,613,710 alleles (0.000062%); highest among the groups gnomAD compares: Non-Finnish European, 0.000085%; no homozygotes.

Submission:

Labcorp Genetics (formerly Invitae), Labcorp
Classification: Uncertain significance for Glycogen storage disease due to muscle and heart glycogen synthase deficiency. Last evaluated: 2020-02-03. Review status: criteria provided, single submitter. Criteria: Invitae Variant Classification Sherloc (09022015). Collection method: clinical testing. Allele origin: germline.
Comment: This variant is not present in population databases (ExAC no frequency). In summary, the available evidence is currently insufficient to determine the role of this variant in disease. Therefore, it has been classified as a Variant of Uncertain Significance. Algorithms developed to predict the effect of missense changes on protein structure and function are either unavailable or do not agree on the potential impact of this missense change (SIFT: "Deleterious"; PolyPhen-2: "Probably Damaging"; Align-GVGD: "Class C0"). This variant has not been reported in the literature in individuals with GYS1-related conditions. This sequence change replaces alanine with valine at codon 612 of the GYS1 protein (p.Ala612Val). The alanine residue is highly conserved and there is a small physicochemical difference between alanine and valine.